The following is an entry in ClinVar:

ClinVar aggregate classification (germline): Uncertain significance (1 of 4 stars; one submission).

Conditions:
MEGF10-related myopathy (CMYO10A). Also called: Congenital myopathy 10A, severe variant. Identifiers: Orphanet 439212, MedGen C3280679, MONDO:0013731, OMIM 614399.

Allele frequency attached by ClinVar (database versions not stated): gnomAD exomes below 0.00001; gnomAD 0.00001; TOPMed 0.00001.
gnomAD v4.1: 7 of 1,614,008 alleles (0.00043%); highest among the groups gnomAD compares: African/African-American, 0.0013%; no homozygotes.

Submission:

Labcorp Genetics (formerly Invitae), Labcorp
Classification: Uncertain significance for MEGF10-related myopathy. Last evaluated: 2022-07-25. Review status: criteria provided, single submitter. Criteria: Invitae Variant Classification Sherloc (09022015). Collection method: clinical testing. Allele origin: germline.
Comment: In summary, the available evidence is currently insufficient to determine the role of this variant in disease. Therefore, it has been classified as a Variant of Uncertain Significance. Algorithms developed to predict the effect of missense changes on protein structure and function are either unavailable or do not agree on the potential impact of this missense change (SIFT: "Deleterious"; PolyPhen-2: "Probably Damaging"; Align-GVGD: "Class C0"). ClinVar contains an entry for this variant (Variation ID: 837783). This variant has not been reported in the literature in individuals affected with MEGF10-related conditions. This variant is present in population databases (no rsID available, gnomAD 0.0009%). This sequence change replaces tyrosine, which is neutral and polar, with cysteine, which is neutral and slightly polar, at codon 1030 of the MEGF10 protein (p.Tyr1030Cys).

NM_001256545.2(MEGF10):c.3089A>G (p.Tyr1030Cys)

Gene: MEGF10 (multiple EGF like domains 10; plus strand). Cytogenetic location: 5q23.2.
Variant type: single nucleotide variant.
Coding change: c.3089A>G on transcript NM_001256545.2 (MANE Select); coding-DNA position 3089, A replaced by G.
Protein change: p.Tyr1030Cys; replaces tyrosine 1030 with cysteine.
Molecular consequence: missense variant.
Genome position (GRCh38, 1-based): chr5:127,455,464, A>G. VCF-style: chr5-127455464-A-G. GRCh37 (hg19) VCF-style: chr5-126791156-A-G.
Other names: c.3089A>G, p.Tyr1030Cys (NM_032446.3); short protein forms Y1030C.
Identifiers: ClinVar variation 837783 (VCV000837783.8), dbSNP rs1433266858, ClinGen allele CA16609641.